The following is an entry in ClinVar:

ClinVar aggregate classification (germline): Uncertain significance. Review status: criteria provided, multiple submitters, no conflicts (2 of 4 stars). 2 submissions from 2 submitters: Uncertain significance (2). Last evaluated 2024-02-12.

Conditions:
Renal cell carcinoma. Identifiers: Orphanet 217071, MedGen C0007134, MeSH D002292, MONDO:0005086, HP:0005584.
Hereditary cancer-predisposing syndrome. Also called: Neoplastic Syndromes, Hereditary; Tumor predisposition; Hereditary neoplastic syndrome; Hereditary Cancer Syndrome. Identifiers: Orphanet 140162, MedGen C0027672, MeSH D009386, MONDO:0015356.

Allele frequency attached by ClinVar (database versions not stated): ExAC 0.00001.

Submissions (2):

Labcorp Genetics (formerly Invitae), Labcorp
Classification: Uncertain significance for Renal cell carcinoma. Last evaluated: 2024-02-12. Review status: criteria provided, single submitter. Criteria: Invitae Variant Classification Sherloc (09022015). Collection method: clinical testing. Allele origin: germline.
Comment: This sequence change replaces cysteine, which is neutral and slightly polar, with arginine, which is basic and polar, at codon 1109 of the MET protein (p.Cys1109Arg). This variant is not present in population databases (gnomAD no frequency). This variant has not been reported in the literature in individuals affected with MET-related conditions. ClinVar contains an entry for this variant (Variation ID: 580357). Advanced modeling of protein sequence and biophysical properties (such as structural, functional, and spatial information, amino acid conservation, physicochemical variation, residue mobility, and thermodynamic stability) has been performed at Invitae for this missense variant, however the output from this modeling did not meet the statistical confidence thresholds required to predict the impact of this variant on MET protein function. In summary, the available evidence is currently insufficient to determine the role of this variant in disease. Therefore, it has been classified as a Variant of Uncertain Significance.

Ambry Genetics
Classification: Uncertain significance for Hereditary cancer-predisposing syndrome. Last evaluated: 2022-02-22. Review status: criteria provided, single submitter. Criteria: Ambry Variant Classification Scheme 2023. Collection method: clinical testing. Allele origin: germline.
Comment: The p.C1109R variant (also known as c.3325T>C), located in coding exon 15 of the MET gene, results from a T to C substitution at nucleotide position 3325. The cysteine at codon 1109 is replaced by arginine, an amino acid with highly dissimilar properties. This amino acid position is conserved. In addition, this alteration is predicted to be deleterious by in silico analysis. Since supporting evidence is limited at this time, the clinical significance of this alteration remains unclear.

NM_000245.4(MET):c.3271T>C (p.Cys1091Arg)

Gene: MET (MET proto-oncogene, receptor tyrosine kinase; plus strand). Cytogenetic location: 7q31.2.
Variant type: single nucleotide variant.
Coding change: c.3271T>C on transcript NM_000245.4 (MANE Select); coding-DNA position 3271, T replaced by C.
Protein change: p.Cys1091Arg; replaces cysteine 1091 with arginine.
Molecular consequence: missense variant.
Genome position (GRCh38, 1-based): chr7:116,777,400, T>C. VCF-style: chr7-116777400-T-C. GRCh37 (hg19) VCF-style: chr7-116417454-T-C.
Other names: c.3325T>C (LRG_662t1); c.3325T>C, p.Cys1109Arg (NM_001127500.3); c.1981T>C, p.Cys661Arg (NM_001324402.2); short protein forms C1109R, C1091R, C661R.
Identifiers: ClinVar variation 580357 (VCV000580357.13), dbSNP rs751556706, ClinGen allele CA4448687.
Genomic context (GRCh38, chr7:116,777,400, plus strand): 5'-TCATAATTAAATGTTACGCAGTGCTAACCAAGTTCTTTCTTTTGCACAGGGCATTTTGGT[T>C]GTGTATATCATGGGACTTTGTTGGACAATGATGGCAAGAAAATTCACTGTGCTGTGAAAT-3'
Protein context (NP_000236.2, residues 1081-1101): NEVIGRGHFG[Cys1091Arg]VYHGTLLDND